The following is an entry in ClinVar:

NM_017886.4(ULK4):c.2649T>C (p.Ser883=)

Gene: ULK4 (unc-51 like kinase 4; minus strand). Cytogenetic location: 3p22.1.
Variant type: single nucleotide variant.
Coding change: c.2649T>C on transcript NM_017886.4 (MANE Select); coding-DNA position 2649, T replaced by C.
Protein change: p.Ser883=; no amino-acid change (serine 883 retained).
Molecular consequence: synonymous variant. On other transcripts: non-coding transcript variant (1).
Genome position (GRCh38, 1-based): chr3:41,705,291, A>G on the plus strand (T>C on the coding strand, the complement: ULK4 is on the minus strand). VCF-style: chr3-41705291-A-G. GRCh37 (hg19) VCF-style: chr3-41746783-A-G.
Other names: c.2649T>C, p.Ser883= (NM_001322500.2); c.1743T>C, p.Ser581= (NM_001322501.2).
Identifiers: ClinVar variation 3053027 (VCV003053027.2), dbSNP rs61650641, ClinGen allele CA2331781.

ClinVar aggregate classification (germline): Likely benign (0 of 4 stars; one submission).

Conditions:
ULK4-related disorder. Also called: ULK4-related condition.

Allele frequency attached by ClinVar (database versions not stated): gnomAD exomes 0.00008; ExAC 0.00030; TOPMed 0.00085; gnomAD 0.00090; ESP Exome Variant Server 0.00094; 1000 Genomes Project 0.00100; 1000 Genomes Project 30x 0.00125.
gnomAD v4.1: 275 of 1,611,262 alleles (0.017%); highest among the groups gnomAD compares: African/African-American, 0.32%; 1 homozygote.

Submission:

PreventionGenetics, part of Exact Sciences
Classification: Likely benign for ULK4-related condition. Last evaluated: 2019-08-28. Review status: no assertion criteria provided. Collection method: clinical testing. Allele origin: germline.
Comment: This variant is classified as likely benign based on ACMG/AMP sequence variant interpretation guidelines (Richards et al. 2015 PMID: 25741868, with internal and published modifications).